The following is an entry in ClinVar:

NM_000289.6(PFKM):c.189T>G (p.Asp63Glu)

Gene: PFKM (phosphofructokinase, muscle; plus strand). Cytogenetic location: 12q13.11.
Variant type: single nucleotide variant.
Coding change: c.189T>G on transcript NM_000289.6 (MANE Select); coding-DNA position 189, T replaced by G.
Protein change: p.Asp63Glu; replaces aspartic acid 63 with glutamic acid.
Molecular consequence: missense variant. On other transcripts: non-coding transcript variant (6).
Genome position (GRCh38, 1-based): chr12:48,131,345, T>G. VCF-style: chr12-48131345-T-G. GRCh37 (hg19) VCF-style: chr12-48525128-T-G.
Other names: c.402T>G, p.Asp134Glu (NM_001166686.2, NM_001354737.1, NM_001354738.1 and 1 more transcripts); c.189T>G, p.Asp63Glu (NM_001166687.2, NM_001166688.2, NM_001354742.2 and 4 more transcripts); c.498T>G, p.Asp166Glu (NM_001354735.1, NM_001354736.1); c.333T>G, p.Asp111Glu (NM_001354740.1); c.213T>G, p.Asp71Glu (NM_001354741.2); c.102T>G, p.Asp34Glu (NM_001354745.2); c.39T>G, p.Asp13Glu (NM_001354747.2, NM_001354748.2); short protein forms D134E, D71E, D111E, D166E, D13E, D34E, D63E.
Identifiers: ClinVar variation 1943354 (VCV001943354.5), dbSNP rs2540870031, ClinGen allele CA384539341.
Genomic context (GRCh38, chr12:48,131,345, plus strand): 5'-ACGGGCTGAACAGGTATAATGTGTCACACAGGGTTATCAAGGCCTGGTGGATGGTGGAGA[T>G]CACATCAAGGAAGCCACCTGGGAGAGCGTTTCGATGATGCTTCAGCTGGTATGTTCCAGA-3'
Protein context (NP_000280.1, residues 53-73): EGYQGLVDGG[Asp63Glu]HIKEATWESV

ClinVar aggregate classification (germline): Uncertain significance (1 of 4 stars; one submission).

Conditions:
Glycogen storage disease, type VII (GSD7). Also called: MUSCLE PHOSPHOFRUCTOKINASE DEFICIENCY; GSD VII; PFKM DEFICIENCY; TARUI DISEASE. Identifiers: Orphanet 371, MedGen C0017926, MONDO:0009295, OMIM 232800.

Submission:

Labcorp Genetics (formerly Invitae), Labcorp
Classification: Uncertain significance for Glycogen storage disease, type VII. Last evaluated: 2022-05-03. Review status: criteria provided, single submitter. Criteria: Invitae Variant Classification Sherloc (09022015). Collection method: clinical testing. Allele origin: germline.
Comment: In summary, the available evidence is currently insufficient to determine the role of this variant in disease. Therefore, it has been classified as a Variant of Uncertain Significance. Algorithms developed to predict the effect of missense changes on protein structure and function output the following: SIFT: "Tolerated"; PolyPhen-2: "Benign"; Align-GVGD: "Class C0". The glutamic acid amino acid residue is found in multiple mammalian species, which suggests that this missense change does not adversely affect protein function. This variant has not been reported in the literature in individuals affected with PFKM-related conditions. This variant is not present in population databases (gnomAD no frequency). This sequence change replaces aspartic acid, which is acidic and polar, with glutamic acid, which is acidic and polar, at codon 63 of the PFKM protein (p.Asp63Glu).